The following is an entry in ClinVar:

ClinVar aggregate classification (germline): Uncertain significance (1 of 4 stars; one submission).

Conditions:
Inborn genetic diseases. Identifiers: MedGen C0950123, MeSH D030342.

Submission:

Ambry Genetics
Classification: Uncertain significance for Inborn genetic diseases. Last evaluated: 2026-02-14. Review status: criteria provided, single submitter. Criteria: Ambry Variant Classification Scheme 2023. Collection method: clinical testing. Allele origin: germline.
Comment: The p.E778K variant (also known as c.2332G>A), located in coding exon 21 of the ANKRD26 gene, results from a G to A substitution at nucleotide position 2332. The glutamic acid at codon 778 is replaced by lysine, an amino acid with similar properties. This amino acid position is conserved. In addition, this alteration is predicted to be tolerated by in silico analysis. Based on the available evidence, the clinical significance of this variant remains unclear.

NM_014915.3(ANKRD26):c.2332G>A (p.Glu778Lys)

Gene: ANKRD26 (ankyrin repeat domain 26; minus strand). Cytogenetic location: 10p12.1.
Variant type: single nucleotide variant.
Coding change: c.2332G>A on transcript NM_014915.3 (MANE Select); coding-DNA position 2332, G replaced by A.
Protein change: p.Glu778Lys; replaces glutamic acid 778 with lysine.
Molecular consequence: missense variant.
Genome position (GRCh38, 1-based): chr10:27,040,008, C>T on the plus strand (G>A on the coding strand, the complement: ANKRD26 is on the minus strand). VCF-style: chr10-27040008-C-T. GRCh37 (hg19) VCF-style: chr10-27328937-C-T.
Other names: c.2329G>A, p.Glu777Lys (NM_001256053.2); short protein forms E778K, E777K.
Identifiers: ClinVar variation 4845139 (VCV004845139.1).
Genomic context (GRCh38, chr10:27,040,008, plus strand): 5'-AAACTAGGCTATCATACCTCAAAGAGCACAGTTCTCGTTCCCATTCAACTTTTTGATGCT[C>T]TAACTGTGATTTTATTTCTTTTGTTTCAGATAGCTCCCTTTGTAGTACATTAACCTTGTC-3'
Protein context (NP_055730.2, residues 768-788): SETKEIKSQL[Glu778Lys]HQKVEWEREL